The following is an entry in ClinVar:

NM_001145715.3(KPNA7):c.875T>C (p.Met292Thr)

Gene: KPNA7 (karyopherin subunit alpha 7; minus strand). Cytogenetic location: 7q22.1.
Variant type: single nucleotide variant.
Coding change: c.875T>C on transcript NM_001145715.3 (MANE Select); coding-DNA position 875, T replaced by C.
Protein change: p.Met292Thr; replaces methionine 292 with threonine.
Molecular consequence: missense variant.
Genome position (GRCh38, 1-based): chr7:99,188,325, A>G on the plus strand (T>C on the coding strand, the complement: KPNA7 is on the minus strand). VCF-style: chr7-99188325-A-G. GRCh37 (hg19) VCF-style: chr7-98785948-A-G.
Other names: short protein forms M292T.
Identifiers: ClinVar variation 1366243 (VCV001366243.3), dbSNP rs1356966382, ClinGen allele CA368419619.

ClinVar aggregate classification (germline): Uncertain significance (1 of 4 stars; one submission).

Allele frequency attached by ClinVar (database versions not stated): gnomAD exomes below 0.00001 and 0.00001; TOPMed 0.00002.
gnomAD v4.1: 1 of 1,551,532 alleles (0.000064%); highest among the groups gnomAD compares: Admixed American, 0.002%; no homozygotes.

Submission:

Labcorp Genetics (formerly Invitae), Labcorp
Classification: Uncertain significance. Last evaluated: 2022-10-17. Review status: criteria provided, single submitter. Criteria: Invitae Variant Classification Sherloc (09022015). Collection method: clinical testing. Allele origin: germline.
Comment: This sequence change replaces methionine, which is neutral and non-polar, with threonine, which is neutral and polar, at codon 292 of the KPNA7 protein (p.Met292Thr). This variant is present in population databases (no rsID available, gnomAD 0.004%). This variant has not been reported in the literature in individuals affected with KPNA7-related conditions. ClinVar contains an entry for this variant (Variation ID: 1366243). Advanced modeling of protein sequence and biophysical properties (such as structural, functional, and spatial information, amino acid conservation, physicochemical variation, residue mobility, and thermodynamic stability) performed at Invitae indicates that this missense variant is expected to disrupt KPNA7 protein function. In summary, the available evidence is currently insufficient to determine the role of this variant in disease. Therefore, it has been classified as a Variant of Uncertain Significance.